The following is an entry in ClinVar:

NM_000038.6(APC):c.7469A>T (p.Asp2490Val)

Gene: APC (APC regulator of Wnt signaling pathway; plus strand). Cytogenetic location: 5q22.2.
Variant type: single nucleotide variant.
Coding change: c.7469A>T on transcript NM_000038.6 (MANE Select); coding-DNA position 7469, A replaced by T.
Protein change: p.Asp2490Val; replaces aspartic acid 2490 with valine.
Molecular consequence: missense variant.
Genome position (GRCh38, 1-based): chr5:112,843,063, A>T. VCF-style: chr5-112843063-A-T. GRCh37 (hg19) VCF-style: chr5-112178760-A-T.
Other names: c.7469A>T, p.Asp2490Val (NM_001127510.3, NM_001354895.2); c.7415A>T, p.Asp2472Val (NM_001127511.3); c.7523A>T, p.Asp2508Val (NM_001354896.2); c.7499A>T, p.Asp2500Val (NM_001354897.2); c.7394A>T, p.Asp2465Val (NM_001354898.2); c.7385A>T, p.Asp2462Val (NM_001354899.2); c.7346A>T, p.Asp2449Val (NM_001354900.2); c.7292A>T, p.Asp2431Val (NM_001354901.2); and 5 more; short protein forms D2389V, D2449V, D2364V, D2399V, D2490V, D2500V, D2508V, D2207V.
Identifiers: ClinVar variation 927391 (VCV000927391.7), dbSNP rs771003881, ClinGen allele CA048153.
Genomic context (GRCh38, chr5:112,843,063, plus strand): 5'-GACCAGCTTCTCCCACTAGGTCCCAGGCACAAACTCCAGTTTTAAGTCCTTCCCTTCCTG[A>T]TATGTCTCTATCCACACATTCGTCTGTTCAGGCTGGTGGATGGCGAAAACTCCCACCTAA-3'
Protein context (NP_000029.2, residues 2480-2500): QTPVLSPSLP[Asp2490Val]MSLSTHSSVQ

ClinVar aggregate classification (germline): Uncertain significance. Review status: criteria provided, multiple submitters, no conflicts (2 of 4 stars). 2 submissions from 2 submitters: Uncertain significance (2). Last evaluated 2024-03-06.

Conditions:
Hereditary cancer-predisposing syndrome. Also called: Neoplastic Syndromes, Hereditary; Hereditary Cancer Syndrome; Tumor predisposition; Hereditary neoplastic syndrome. Identifiers: Orphanet 140162, MedGen C0027672, MeSH D009386, MONDO:0015356.
Familial adenomatous polyposis 1 (FAP1). Also called: FAMILIAL ADENOMATOUS POLYPOSIS 1, ATTENUATED; POLYPOSIS, ADENOMATOUS INTESTINAL. Identifiers: MedGen C2713442, MONDO:0021056, OMIM 175100. Disease mechanism: loss of function.

Allele frequency attached by ClinVar (database versions not stated): gnomAD exomes below 0.00001; ExAC 0.00001.

Submissions (2):

Color Diagnostics, LLC DBA Color Health
Classification: Uncertain significance for Hereditary cancer-predisposing syndrome. Last evaluated: 2024-03-06. Review status: criteria provided, single submitter. Criteria: ACMG Guidelines, 2015. Collection method: clinical testing. Allele origin: germline.
Comment: This missense variant replaces aspartic acid with valine at codon 2490 of the APC protein. Computational prediction tool is inconclusive regarding the impact of this variant on protein structure and function (internally defined REVEL score threshold 0.5 < inconclusive < 0.7, PMID: 27666373). Splice site prediction tools suggest that this variant may not impact RNA splicing. To our knowledge, functional studies have not been performed for this variant. This variant has not been reported in individuals affected with hereditary cancer in the literature. This variant has been identified in 1/251256 chromosomes in the general population by the Genome Aggregation Database (gnomAD). The available evidence is insufficient to determine the role of this variant in disease conclusively. Therefore, this variant is classified as a Variant of Uncertain Significance.

Labcorp Genetics (formerly Invitae), Labcorp
Classification: Uncertain significance for Familial adenomatous polyposis 1. Last evaluated: 2023-12-26. Review status: criteria provided, single submitter. Criteria: Invitae Variant Classification Sherloc (09022015). Collection method: clinical testing. Allele origin: germline.
Comment: This sequence change replaces aspartic acid, which is acidic and polar, with valine, which is neutral and non-polar, at codon 2490 of the APC protein (p.Asp2490Val). This variant is present in population databases (rs771003881, gnomAD 0.0009%). This variant has not been reported in the literature in individuals affected with APC-related conditions. ClinVar contains an entry for this variant (Variation ID: 927391). Advanced modeling of protein sequence and biophysical properties (such as structural, functional, and spatial information, amino acid conservation, physicochemical variation, residue mobility, and thermodynamic stability) performed at Invitae indicates that this missense variant is not expected to disrupt APC protein function with a negative predictive value of 95%. In summary, the available evidence is currently insufficient to determine the role of this variant in disease. Therefore, it has been classified as a Variant of Uncertain Significance.